The following is an entry in ClinVar:

ClinVar aggregate classification (germline): Uncertain significance (1 of 4 stars; one submission).

Conditions:
DYRK1A-related intellectual disability syndrome (MRD7). Also called: Intellectual developmental disorder, autosomal dominant 7; DYRK1A Syndrome. Identifiers: Orphanet 464306, MedGen C5568143, MONDO:0013578, OMIM 614104.

Submission:

Labcorp Genetics (formerly Invitae), Labcorp
Classification: Uncertain significance for DYRK1A-related intellectual disability syndrome. Last evaluated: 2025-02-23. Review status: criteria provided, single submitter. Criteria: Invitae Variant Classification Sherloc (09022015). Collection method: clinical testing. Allele origin: germline.
Comment: This sequence change replaces arginine, which is basic and polar, with glutamine, which is neutral and polar, at codon 437 of the DYRK1A protein (p.Arg437Gln). This variant is not present in population databases (gnomAD no frequency). This variant has not been reported in the literature in individuals affected with DYRK1A-related conditions. Invitae Evidence Modeling of protein sequence and biophysical properties (such as structural, functional, and spatial information, amino acid conservation, physicochemical variation, residue mobility, and thermodynamic stability) indicates that this missense variant is not expected to disrupt DYRK1A protein function with a negative predictive value of 95%. In summary, the available evidence is currently insufficient to determine the role of this variant in disease. Therefore, it has been classified as a Variant of Uncertain Significance.

NM_001347721.2(DYRK1A):c.1283G>A (p.Arg428Gln)

Gene: DYRK1A (dual specificity tyrosine phosphorylation regulated kinase 1A; plus strand). Cytogenetic location: 21q22.13.
Variant type: single nucleotide variant.
Coding change: c.1283G>A on transcript NM_001347721.2 (MANE Select); coding-DNA position 1283, G replaced by A.
Protein change: p.Arg428Gln; replaces arginine 428 with glutamine.
Molecular consequence: missense variant.
Genome position (GRCh38, 1-based): chr21:37,505,353, G>A. VCF-style: chr21-37505353-G-A. GRCh37 (hg19) VCF-style: chr21-38877656-G-A.
Other names: c.1283G>A, p.Arg428Gln (NM_001347722.2, NM_130436.2); c.1196G>A, p.Arg399Gln (NM_001347723.2); c.1310G>A, p.Arg437Gln (NM_001396.5, NM_101395.2, NM_130438.2); short protein forms R399Q, R428Q, R437Q.
Identifiers: ClinVar variation 4803216 (VCV004803216.1).